The following is an entry in ClinVar:

NM_001080517.3(SETD5):c.2308C>G (p.Pro770Ala)

Gene: SETD5 (SET domain containing 5; plus strand). Cytogenetic location: 3p25.3.
Variant type: single nucleotide variant.
Coding change: c.2308C>G on transcript NM_001080517.3 (MANE Select); coding-DNA position 2308, C replaced by G.
Protein change: p.Pro770Ala; replaces proline 770 with alanine.
Molecular consequence: missense variant.
Genome position (GRCh38, 1-based): chr3:9,448,592, C>G. VCF-style: chr3-9448592-C-G. GRCh37 (hg19) VCF-style: chr3-9490276-C-G.
Other names: c.2014C>G, p.Pro672Ala (NM_001292043.2, NM_001349451.2); short protein forms P672A, P770A.
Identifiers: ClinVar variation 2834293 (VCV002834293.3), dbSNP rs2042274715, ClinGen allele CA351701898.

ClinVar aggregate classification (germline): Uncertain significance (1 of 4 stars; one submission).

Submission:

Labcorp Genetics (formerly Invitae), Labcorp
Classification: Uncertain significance. Last evaluated: 2024-12-09. Review status: criteria provided, single submitter. Criteria: Invitae Variant Classification Sherloc (09022015). Collection method: clinical testing. Allele origin: germline.
Comment: This sequence change replaces proline, which is neutral and non-polar, with alanine, which is neutral and non-polar, at codon 770 of the SETD5 protein (p.Pro770Ala). This variant is not present in population databases (gnomAD no frequency). This variant has not been reported in the literature in individuals affected with SETD5-related conditions. ClinVar contains an entry for this variant (Variation ID: 2834293). Invitae Evidence Modeling of protein sequence and biophysical properties (such as structural, functional, and spatial information, amino acid conservation, physicochemical variation, residue mobility, and thermodynamic stability) indicates that this missense variant is not expected to disrupt SETD5 protein function with a negative predictive value of 80%. In summary, the available evidence is currently insufficient to determine the role of this variant in disease. Therefore, it has been classified as a Variant of Uncertain Significance.